The following is an entry in ClinVar:

NM_000321.3(RB1):c.649C>G (p.Gln217Glu)

Gene: RB1 (RB transcriptional corepressor 1; plus strand). Cytogenetic location: 13q14.2.
Variant type: single nucleotide variant.
Coding change: c.649C>G on transcript NM_000321.3 (MANE Select); coding-DNA position 649, C replaced by G.
Protein change: p.Gln217Glu; replaces glutamine 217 with glutamic acid.
Molecular consequence: missense variant.
Genome position (GRCh38, 1-based): chr13:48,360,058, C>G. VCF-style: chr13-48360058-C-G. GRCh37 (hg19) VCF-style: chr13-48934194-C-G.
Other names: c.649C>G, p.Gln217Glu (NM_001407165.1, NM_001407166.1); short protein forms Q217E.
Identifiers: ClinVar variation 4842607 (VCV004842607.1).

ClinVar aggregate classification (germline): Uncertain significance (1 of 4 stars; one submission).

Conditions:
Hereditary cancer-predisposing syndrome. Also called: Neoplastic Syndromes, Hereditary; Tumor predisposition; Hereditary Cancer Syndrome; Hereditary neoplastic syndrome. Identifiers: Orphanet 140162, MedGen C0027672, MeSH D009386, MONDO:0015356.

Submission:

Ambry Genetics
Classification: Uncertain significance for Hereditary cancer-predisposing syndrome. Last evaluated: 2026-01-10. Review status: criteria provided, single submitter. Criteria: Ambry Variant Classification Scheme 2023. Collection method: clinical testing. Allele origin: germline.
Comment: The p.Q217E variant (also known as c.649C>G), located in coding exon 7 of the RB1 gene, results from a C to G substitution at nucleotide position 649. The glutamine at codon 217 is replaced by glutamic acid, an amino acid with highly similar properties. This amino acid position is conserved. In addition, the in silico prediction for this alteration is inconclusive. Based on the available evidence, the clinical significance of this variant remains unclear.